The following is an entry in ClinVar:

NM_013435.3(RAX):c.*1272G>A

Gene: RAX (retina and anterior neural fold homeobox; minus strand). Cytogenetic location: 18q21.32.
Variant type: single nucleotide variant.
Coding change: c.*1272G>A on transcript NM_013435.3 (MANE Select); 1272 bases downstream of the stop codon, G replaced by A.
Molecular consequence: 3 prime UTR variant.
Genome position (GRCh38, 1-based): chr18:59,267,732, C>T on the plus strand (G>A on the coding strand, the complement: RAX is on the minus strand). VCF-style: chr18-59267732-C-T. GRCh37 (hg19) VCF-style: chr18-56934964-C-T.
Identifiers: ClinVar variation 327521 (VCV000327521.6), dbSNP rs75969240, ClinGen allele CA10647970.

ClinVar aggregate classification (germline): Likely benign. Review status: criteria provided, multiple submitters, no conflicts (2 of 4 stars). 2 submissions from 2 submitters: Likely benign (2). Last evaluated 2017-04-27.

Conditions:
Isolated microphthalmia 3 (MCOPS16). Also called: MICROPHTHALMIA, SYNDROMIC 16. Identifiers: Orphanet 2542, MedGen C5774181, MONDO:0012604, OMIM 611038.

Allele frequency attached by ClinVar (database versions not stated): gnomAD 0.14660 and 0.14921; TOPMed 0.15789; gnomAD exomes 0.16667; 1000 Genomes Project 30x 0.20284; 1000 Genomes Project 0.20567.

Submissions (2):

Illumina Laboratory Services, Illumina
Classification: Likely benign for Isolated microphthalmia 3. Last evaluated: 2017-04-27. Review status: criteria provided, single submitter. Criteria: ICSL Variant Classification Criteria 13 December 2019. Collection method: clinical testing. Allele origin: germline.
Comment: This variant was observed as part of a predisposition screen in an ostensibly healthy population. A literature search was performed for the gene, cDNA change, and amino acid change (where applicable). No publications were found based on this search. Allele frequency data from public databases allowed determination this variant is unlikely to cause disease. Therefore, this variant is classified as likely benign.

Breakthrough Genomics
Classification: Likely benign. Review status: criteria provided, single submitter. Criteria: ACMG Guidelines, 2015. Collection method: not provided. Allele origin: germline. Inheritance: Autosomal recessive inheritance. Affected: yes.